The following is an entry in ClinVar:

ClinVar aggregate classification (germline): Uncertain significance. Review status: criteria provided, multiple submitters, no conflicts (2 of 4 stars). 2 submissions from 2 submitters: Uncertain significance (2). Last evaluated 2024-05-03.

Allele frequency attached by ClinVar (database versions not stated): gnomAD exomes below 0.00001.
gnomAD v4.1: 1 of 1,614,078 alleles (0.000062%); highest among the groups gnomAD compares: Non-Finnish European, 0.000085%; no homozygotes.

Submissions (2):

GeneDx
Classification: Uncertain significance. Last evaluated: 2024-05-03. Review status: criteria provided, single submitter. Criteria: GeneDx Variant Classification Process June 2021. Collection method: clinical testing. Allele origin: germline. Affected: yes.
Comment: Not observed at significant frequency in large population cohorts (gnomAD); In silico analysis supports that this missense variant has a deleterious effect on protein structure/function; Has not been previously published as pathogenic or benign to our knowledge

Labcorp Genetics (formerly Invitae), Labcorp
Classification: Uncertain significance. Last evaluated: 2023-09-10. Review status: criteria provided, single submitter. Criteria: Invitae Variant Classification Sherloc (09022015). Collection method: clinical testing. Allele origin: germline.
Comment: This variant is not present in population databases (gnomAD no frequency). In summary, the available evidence is currently insufficient to determine the role of this variant in disease. Therefore, it has been classified as a Variant of Uncertain Significance. Advanced modeling of protein sequence and biophysical properties (such as structural, functional, and spatial information, amino acid conservation, physicochemical variation, residue mobility, and thermodynamic stability) performed at Invitae indicates that this missense variant is not expected to disrupt CACNA1D protein function. This variant has not been reported in the literature in individuals affected with CACNA1D-related conditions. This sequence change replaces methionine, which is neutral and non-polar, with threonine, which is neutral and polar, at codon 873 of the CACNA1D protein (p.Met873Thr).

NM_001128840.3(CACNA1D):c.2558T>C (p.Met853Thr)

Gene: CACNA1D (calcium voltage-gated channel subunit alpha1 D; plus strand). Cytogenetic location: 3p21.1.
Variant type: single nucleotide variant.
Coding change: c.2558T>C on transcript NM_001128840.3 (MANE Select); coding-DNA position 2558, T replaced by C.
Protein change: p.Met853Thr; replaces methionine 853 with threonine.
Molecular consequence: missense variant.
Genome position (GRCh38, 1-based): chr3:53,732,899, T>C. VCF-style: chr3-53732899-T-C. GRCh37 (hg19) VCF-style: chr3-53766926-T-C.
Other names: c.2618T>C, p.Met873Thr (NM_000720.4); c.2558T>C, p.Met853Thr (NM_001128839.3); c.2618T>C (NM_000720.2); short protein forms M853T, M873T.
Identifiers: ClinVar variation 2803055 (VCV002803055.4), dbSNP rs2473797717, ClinGen allele CA353241576.